The following is an entry in ClinVar:

ClinVar aggregate classification (germline): Likely benign (1 of 4 stars; one submission).

Submission:

CeGaT Center for Human Genetics Tuebingen
Classification: Likely benign. Last evaluated: 2023-02-01. Review status: criteria provided, single submitter. Criteria: CeGaT Center For Human Genetics Tuebingen Variant Classification Criteria Version 2. Collection method: clinical testing. Allele origin: germline. Affected: yes. Observed: 1 variant allele.
Comment: MRC1L1: BP4, BP7

Single allele

Variant type: single nucleotide variant.
Identifiers: ClinVar variation 2640336 (VCV002640336.18), dbSNP rs781867363, ClinGen allele CA5428116.